The following is an entry in ClinVar:

ClinVar aggregate classification (germline): Uncertain significance (1 of 4 stars; one submission).

Allele frequency attached by ClinVar (database versions not stated): gnomAD exomes below 0.00001.

Submission:

Labcorp Genetics (formerly Invitae), Labcorp
Classification: Uncertain significance. Last evaluated: 2023-04-25. Review status: criteria provided, single submitter. Criteria: Invitae Variant Classification Sherloc (09022015). Collection method: clinical testing. Allele origin: germline.
Comment: This variant is not present in population databases (gnomAD no frequency). This sequence change replaces glycine, which is neutral and non-polar, with arginine, which is basic and polar, at codon 697 of the CFB protein (p.Gly697Arg). This variant also falls at the last nucleotide of exon 16, which is part of the consensus splice site for this exon. Variants that disrupt the consensus splice site are a relatively common cause of aberrant splicing (PMID: 17576681, 9536098). Algorithms developed to predict the effect of sequence changes on RNA splicing suggest that this variant may disrupt the consensus splice site. An algorithm developed to predict the effect of missense changes on protein structure and function (PolyPhen-2) suggests that this variant is likely to be disruptive. This variant has not been reported in the literature in individuals affected with CFB-related conditions. In summary, the available evidence is currently insufficient to determine the role of this variant in disease. Therefore, it has been classified as a Variant of Uncertain Significance.

Literature cited by the submitters: PubMed 17576681; PubMed 9536098.

NM_001710.6(CFB):c.2089G>C (p.Gly697Arg)

Gene: CFB (complement factor B; plus strand). Cytogenetic location: 6p21.33.
Variant type: single nucleotide variant.
Coding change: c.2089G>C on transcript NM_001710.6 (MANE Select); coding-DNA position 2089, G replaced by C.
Protein change: p.Gly697Arg; replaces glycine 697 with arginine.
Molecular consequence: missense variant.
Genome position (GRCh38, 1-based): chr6:31,951,473, G>C. VCF-style: chr6-31951473-G-C. GRCh37 (hg19) VCF-style: chr6-31919250-G-C.
Other names: short protein forms G697R.
Identifiers: ClinVar variation 3008459 (VCV003008459.3), dbSNP rs1771765498, ClinGen allele CA363413195.